The following is an entry in ClinVar:

NM_014956.5(CEP164):c.3279-8T>C

Gene: CEP164 (centrosomal protein 164; plus strand). Cytogenetic location: 11q23.3.
Variant type: single nucleotide variant.
Coding change: c.3279-8T>C on transcript NM_014956.5 (MANE Select); 8 bases into the intron before coding-DNA position 3279, T replaced by C.
Molecular consequence: intron variant.
Genome position (GRCh38, 1-based): chr11:117,397,083, T>C. VCF-style: chr11-117397083-T-C. GRCh37 (hg19) VCF-style: chr11-117267799-T-C.
Other names: c.3288-8T>C (NM_001271933.2); c.3279-8T>C (NM_014956.4).
Identifiers: ClinVar variation 1554714 (VCV001554714.9), dbSNP rs771735947, ClinGen allele CA6295407.

ClinVar aggregate classification (germline): Likely benign. Review status: criteria provided, multiple submitters, no conflicts (2 of 4 stars). 2 submissions from 2 submitters: Likely benign (2). Last evaluated 2025-09-21.

Conditions:
Nephronophthisis 15 (NPHP15). Identifiers: Orphanet 3156, MedGen C3541853, MONDO:0013917, OMIM 614845.
CEP164-related disorder. Also called: CEP164-related condition.

gnomAD v4.1: 16 of 1,612,404 alleles (0.00099%); highest among the groups gnomAD compares: South Asian, 0.013%; no homozygotes.

Submissions (2):

Labcorp Genetics (formerly Invitae), Labcorp
Classification: Likely benign for Nephronophthisis 15. Last evaluated: 2025-09-21. Review status: criteria provided, single submitter. Criteria: Invitae Variant Classification Sherloc (09022015). Collection method: clinical testing. Allele origin: germline.

PreventionGenetics, part of Exact Sciences
Classification: Likely benign for CEP164-related condition. Last evaluated: 2024-10-15. Review status: criteria provided, single submitter. Criteria: ACMG Guidelines, 2015. Collection method: clinical testing. Allele origin: germline.
Comment: This variant is classified as likely benign based on ACMG/AMP sequence variant interpretation guidelines (Richards et al. 2015 PMID: 25741868, with internal and published modifications).